The following is an entry in ClinVar:

ClinVar aggregate classification (germline): Conflicting classifications of pathogenicity. Review status: criteria provided, conflicting classifications (1 of 4 stars). 3 submissions from 3 submitters: Uncertain significance (1); Likely benign (1). 1 of the submissions does not count toward it. Last evaluated 2025-11-25.

Conditions:
KAT6A-related disorder. Also called: KAT6A-related condition.

Allele frequency attached by ClinVar (database versions not stated): gnomAD 0.00001.
gnomAD v4.1: 5 of 1,613,978 alleles (0.00031%); highest among the groups gnomAD compares: East Asian, 0.0045%; no homozygotes.

Submissions (3):

Labcorp Genetics (formerly Invitae), Labcorp
Classification: Likely benign. Last evaluated: 2025-11-25. Review status: criteria provided, single submitter. Criteria: Invitae Variant Classification Sherloc (09022015). Collection method: clinical testing. Allele origin: germline.

Women's Health and Genetics/Laboratory Corporation of America, LabCorp
Classification: Uncertain significance. Last evaluated: 2022-02-09. Review status: criteria provided, single submitter. Criteria: LabCorp Variant Classification Summary - May 2015. Collection method: clinical testing. Allele origin: germline.
Comment: Variant summary: KAT6A c.2689G>C (p.Glu897Gln) results in a conservative amino acid change in the encoded protein sequence. Four of five in-silico tools predict a benign effect of the variant on protein function. The variant was absent in 251490 control chromosomes (gnomAD). The available data on variant occurrences in the general population are insufficient to allow any conclusion about variant significance. To our knowledge, no occurrence of c.2689G>C in individuals affected with Arboleda-Tham Syndrome and no experimental evidence demonstrating its impact on protein function have been reported. No clinical diagnostic laboratories have submitted clinical-significance assessments for this variant to ClinVar after 2014. Based on the evidence outlined above, the variant was classified as uncertain significance.

PreventionGenetics, part of Exact Sciences
Classification: Likely benign for KAT6A-related condition. Last evaluated: 2022-04-25. Review status: no assertion criteria provided. Collection method: clinical testing. Allele origin: germline. Not counted in ClinVar's aggregate classification.
Comment: This variant is classified as likely benign based on ACMG/AMP sequence variant interpretation guidelines (Richards et al. 2015 PMID: 25741868, with internal and published modifications).

NM_006766.5(KAT6A):c.2689G>C (p.Glu897Gln)

Gene: KAT6A (lysine acetyltransferase 6A; minus strand). Cytogenetic location: 8p11.21.
Variant type: single nucleotide variant.
Coding change: c.2689G>C on transcript NM_006766.5 (MANE Select); coding-DNA position 2689, G replaced by C.
Protein change: p.Glu897Gln; replaces glutamic acid 897 with glutamine.
Molecular consequence: missense variant.
Genome position (GRCh38, 1-based): chr8:41,941,192, C>G on the plus strand (G>C on the coding strand, the complement: KAT6A is on the minus strand). VCF-style: chr8-41941192-C-G. GRCh37 (hg19) VCF-style: chr8-41798710-C-G.
Other names: short protein forms E897Q.
Identifiers: ClinVar variation 1343617 (VCV001343617.8), dbSNP rs1367238054, ClinGen allele CA371071883.